The following is an entry in ClinVar:

NM_005518.4(HMGCS2):c.602C>G (p.Pro201Arg)

Gene: HMGCS2 (3-hydroxy-3-methylglutaryl-CoA synthase 2; minus strand). Cytogenetic location: 1p12.
Variant type: single nucleotide variant.
Coding change: c.602C>G on transcript NM_005518.4 (MANE Select); coding-DNA position 602, C replaced by G.
Protein change: p.Pro201Arg; replaces proline 201 with arginine.
Molecular consequence: missense variant. On other transcripts: intron variant (1).
Genome position (GRCh38, 1-based): chr1:119,759,947, G>C on the plus strand (C>G on the coding strand, the complement: HMGCS2 is on the minus strand). VCF-style: chr1-119759947-G-C. GRCh37 (hg19) VCF-style: chr1-120302570-G-C.
Other names: c.560-665C>G (NM_001166107.1); short protein forms P201R.
Identifiers: ClinVar variation 4771517 (VCV004771517.1).

ClinVar aggregate classification (germline): Uncertain significance (1 of 4 stars; one submission).

Conditions:
3-hydroxy-3-methylglutaryl-CoA synthase deficiency (HMGCS2D). Also called: HMG-CoA synthase-2 deficiency; HMGCS2 DEFICIENCY; MITOCHONDRIAL HMG-CoA SYNTHASE DEFICIENCY. Identifiers: Orphanet 35701, MedGen C2751532, MONDO:0011614, OMIM 605911.

Submission:

Labcorp Genetics (formerly Invitae), Labcorp
Classification: Uncertain significance for 3-hydroxy-3-methylglutaryl-CoA synthase deficiency. Last evaluated: 2025-12-24. Review status: criteria provided, single submitter. Criteria: Invitae Variant Classification Sherloc (09022015). Collection method: clinical testing. Allele origin: germline.
Comment: This sequence change replaces proline, which is neutral and non-polar, with arginine, which is basic and polar, at codon 201 of the HMGCS2 protein (p.Pro201Arg). This variant is not present in population databases (gnomAD no frequency). This variant has not been reported in the literature in individuals affected with HMGCS2-related conditions. Invitae Evidence Modeling of protein sequence and biophysical properties (such as structural, functional, and spatial information, amino acid conservation, physicochemical variation, residue mobility, and thermodynamic stability) indicates that this missense variant is not expected to disrupt HMGCS2 protein function with a negative predictive value of 80%. In summary, the available evidence is currently insufficient to determine the role of this variant in disease. Therefore, it has been classified as a Variant of Uncertain Significance.